The following is an entry in ClinVar:

NM_001267550.2(TTN):c.73899_73900del (p.Ser24634fs)

Genes: TTN (titin; minus strand), TTN-AS1 (TTN antisense RNA 1; plus strand). Cytogenetic location: 2q31.2.
Variant type: Microsatellite.
Coding change: c.73899_73900del on transcript NM_001267550.2 (MANE Select); coding-DNA positions 73899 to 73900, 2 bases deleted (GT; older notation c.73899_73900delGT).
Protein change: p.Ser24634fs; shifts the reading frame from serine 24634.
Molecular consequence: frameshift variant.
Genome position (GRCh38, 1-based): chr2:178,572,232-178,572,233, AC deleted on the plus strand (GT on the coding strand, the reverse complement: TTN is on the minus strand); deleting any 2 consecutive bases within chr2:178,572,232-178,572,237 gives the same sequence; the c. name uses the placement nearest the transcript's 3' end. VCF-style (leftmost placement, unchanged base first): chr2-178572231-GAC-G. GRCh37 (hg19) VCF-style: chr2-179436958-GAC-G.
Other names: c.68976_68977del, p.Ser22993fs (NM_001256850.1); c.46704_46705del, p.Ser15569fs (NM_003319.4); c.66195_66196del, p.Ser22066fs (NM_133378.4); c.47079_47080del, p.Ser15694fs (NM_133432.3); c.47280_47281del, p.Ser15761fs (NM_133437.4); c.46704_46705delGT (NM_003319.4); short protein forms S15569fs, S15694fs, S15761fs, S22066fs, S22993fs, S24634fs.
Identifiers: ClinVar variation 4866219 (VCV004866219.1).

ClinVar aggregate classification (germline): Likely pathogenic (1 of 4 stars; one submission).

Conditions:
Cardiovascular phenotype. Identifiers: MedGen CN230736.

Submission:

Ambry Genetics
Classification: Likely pathogenic for Cardiovascular phenotype. Last evaluated: 2026-05-06. Review status: criteria provided, single submitter. Criteria: Ambry Variant Classification Scheme 2023. Collection method: clinical testing. Allele origin: germline.
Comment: The c.46704_46705delGT variant, located in coding exon 153 of the TTN gene, results from a deletion of two nucleotides at nucleotide positions 46704 to 46705, causing a translational frameshift with a predicted alternate stop codon (p.S15569Tfs*9). This exon is located in the A-band region of the N2-B isoform of the titin protein and is constitutively expressed in TTN transcripts (percent spliced in or PSI 100%). This variant is considered to be rare based on population cohorts in the Genome Aggregation Database (gnomAD). This variant is expected to result in loss of function by premature protein truncation or nonsense-mediated mRNA decay. While truncating variants in TTN are present in 1-3% of the general population, truncating variants in the A-band are the most common cause of dilated cardiomyopathy (Herman DS et al. N. Engl. J. Med., 2012 Feb;366:619-28; Roberts AM et al. Sci Transl Med, 2015 Jan;7:270ra6). TTN truncating variants encoded in constitutive exons (PSI >90%) have been found to be significantly associated with DCM regardless of their position in titin (Schafer S et al. Nat. Genet., 2017 01;49:46-53; Akhtar MM et al. Circ Heart Fail, 2020 Oct;13:e006832; Massier M et al. Clin Genet, 2025 Jan). Based on the majority of available evidence to date, this variant is likely to be pathogenic.